The following is an entry in ClinVar:

NM_002292.4(LAMB2):c.2983A>G (p.Met995Val)

Gene: LAMB2 (laminin subunit beta 2; minus strand). Cytogenetic location: 3p21.31.
Variant type: single nucleotide variant.
Coding change: c.2983A>G on transcript NM_002292.4 (MANE Select); coding-DNA position 2983, A replaced by G.
Protein change: p.Met995Val; replaces methionine 995 with valine.
Molecular consequence: missense variant.
Genome position (GRCh38, 1-based): chr3:49,124,827, T>C on the plus strand (A>G on the coding strand, the complement: LAMB2 is on the minus strand). VCF-style: chr3-49124827-T-C. GRCh37 (hg19) VCF-style: chr3-49162260-T-C.
Other names: short protein forms M995V.
Identifiers: ClinVar variation 994913 (VCV000994913.8), dbSNP rs773681564, ClinGen allele CA2394145.

ClinVar aggregate classification (germline): Uncertain significance. Review status: criteria provided, multiple submitters, no conflicts (2 of 4 stars). 4 submissions from 4 submitters: Uncertain significance (4). Last evaluated 2024-07-09.

Conditions:
Pierson syndrome. Also called: MICROCORIA-CONGENITAL NEPHROTIC SYNDROME. Identifiers: Orphanet 2670, MedGen C1836876, MONDO:0012184, OMIM 609049.
LAMB2-related infantile-onset nephrotic syndrome. Also called: Nephrotic Syndrome, type 5; NEPHROTIC SYNDROME, TYPE 5, WITHOUT OCULAR ABNORMALITIES; NEPHROTIC SYNDROME, TYPE 5, WITH OCULAR ABNORMALITIES. Identifiers: Orphanet 306507, MedGen C3280113, MONDO:0013621, OMIM 614199.
Inborn genetic diseases. Identifiers: MedGen C0950123, MeSH D030342.

Allele frequency attached by ClinVar (database versions not stated): ExAC 0.00002; gnomAD exomes 0.00002; TOPMed 0.00005; gnomAD 0.00006.
gnomAD v4.1: 38 of 1,613,966 alleles (0.0024%); highest among the groups gnomAD compares: African/African-American, 0.011%; no homozygotes.

Submissions (4):

Ambry Genetics
Classification: Uncertain significance for Inborn genetic diseases. Last evaluated: 2024-07-09. Review status: criteria provided, single submitter. Criteria: Ambry Variant Classification Scheme 2023. Collection method: clinical testing. Allele origin: germline.

Labcorp Genetics (formerly Invitae), Labcorp
Classification: Uncertain significance for LAMB2-related infantile-onset nephrotic syndrome; Pierson syndrome. Last evaluated: 2022-07-05. Review status: criteria provided, single submitter. Criteria: Invitae Variant Classification Sherloc (09022015). Collection method: clinical testing. Allele origin: germline.
Comment: This sequence change replaces methionine, which is neutral and non-polar, with valine, which is neutral and non-polar, at codon 995 of the LAMB2 protein (p.Met995Val). This variant is present in population databases (rs773681564, gnomAD 0.01%). This variant has not been reported in the literature in individuals affected with LAMB2-related conditions. ClinVar contains an entry for this variant (Variation ID: 994913). Algorithms developed to predict the effect of missense changes on protein structure and function (SIFT, PolyPhen-2, Align-GVGD) all suggest that this variant is likely to be tolerated. In summary, the available evidence is currently insufficient to determine the role of this variant in disease. Therefore, it has been classified as a Variant of Uncertain Significance.

Fulgent Genetics
Classification: Uncertain significance for Pierson syndrome; LAMB2-related infantile-onset nephrotic syndrome. Last evaluated: 2022-03-25. Review status: criteria provided, single submitter. Criteria: ACMG Guidelines, 2015. Collection method: clinical testing. Allele origin: unknown.

Athena Diagnostics
Classification: Uncertain significance. Last evaluated: 2020-06-18. Review status: criteria provided, single submitter. Criteria: Athena Diagnostics Criteria. Collection method: clinical testing. Allele origin: unknown.